The following is an entry in ClinVar:

NM_001244008.2(KIF1A):c.2022+4A>G

Gene: KIF1A (kinesin family member 1A; minus strand). Cytogenetic location: 2q37.3.
Variant type: single nucleotide variant.
Coding change: c.2022+4A>G on transcript NM_001244008.2 (MANE Select); 4 bases into the intron after coding-DNA position 2022, A replaced by G.
Molecular consequence: intron variant.
Genome position (GRCh38, 1-based): chr2:240,763,015, T>C on the plus strand (A>G on the coding strand, the complement: KIF1A is on the minus strand). VCF-style: chr2-240763015-T-C. GRCh37 (hg19) VCF-style: chr2-241702432-T-C.
Other names: c.1995+4A>G (NM_001379653.1, NM_001379650.1, NM_001379645.1 and 11 more transcripts); c.2097+4A>G (NM_001379635.1, NM_001330290.2, NM_001379646.1 and 2 more transcripts); c.2070+4A>G (NM_001379637.1, NM_001379648.1); c.2022+4A>G (NM_001320705.2, NM_001379638.1, NM_001330289.2).
Identifiers: ClinVar variation 642329 (VCV000642329.8), dbSNP rs1019495658, ClinGen allele CA68173078.

ClinVar aggregate classification (germline): Uncertain significance. Review status: criteria provided, multiple submitters, no conflicts (2 of 4 stars). 2 submissions from 2 submitters: Uncertain significance (2). Last evaluated 2023-10-25.

Conditions:
Neuropathy, hereditary sensory, type 2C. Also called: KIF1A-Related HSAN2 (HSAN2C); Hereditary sensory and autonomic neuropathy type IIC. Identifiers: Orphanet 970, MedGen C3280168, MONDO:0013634, OMIM 614213.
Intellectual disability, autosomal dominant 9 (NESCAVS). Also called: NESCAV SYNDROME; KIF1A-Related Neurodevelopmental Disorder. Identifiers: Orphanet 662367, MedGen C5393830, MONDO:0013656, OMIM 614255.
Hereditary spastic paraplegia 30. Identifiers: Orphanet 101010, MedGen C5235139, MONDO:0012476.

Allele frequency attached by ClinVar (database versions not stated): TOPMed below 0.00001.

Submissions (2):

Greenwood Genetic Center Diagnostic Laboratories, Greenwood Genetic Center
Classification: Uncertain significance. Last evaluated: 2023-10-25. Review status: criteria provided, single submitter. Criteria: ACMG Guidelines, 2015. Collection method: clinical testing. Allele origin: germline. Affected: yes.
Comment: PM2, PP3

Labcorp Genetics (formerly Invitae), Labcorp
Classification: Uncertain significance for Hereditary spastic paraplegia 30; Neuropathy, hereditary sensory, type 2C; Intellectual disability, autosomal dominant 9. Last evaluated: 2023-02-05. Review status: criteria provided, single submitter. Criteria: Invitae Variant Classification Sherloc (09022015). Collection method: clinical testing. Allele origin: germline.
Comment: ClinVar contains an entry for this variant (Variation ID: 642329). Variants that disrupt the consensus splice site are a relatively common cause of aberrant splicing (PMID: 17576681, 9536098). Algorithms developed to predict the effect of sequence changes on RNA splicing suggest that this variant is not likely to affect RNA splicing. In summary, the available evidence is currently insufficient to determine the role of this variant in disease. Therefore, it has been classified as a Variant of Uncertain Significance. This variant has not been reported in the literature in individuals affected with KIF1A-related conditions. This sequence change falls in intron 20 of the KIF1A gene. It does not directly change the encoded amino acid sequence of the KIF1A protein. It affects a nucleotide within the consensus splice site. This variant is not present in population databases (gnomAD no frequency).

Literature cited by the submitters: PubMed 17576681 (cited by Labcorp Genetics (formerly Invitae), Labcorp); PubMed 9536098 (cited by Labcorp Genetics (formerly Invitae), Labcorp).